The following is an entry in ClinVar:

ClinVar aggregate classification (germline): Uncertain significance (1 of 4 stars; one submission).

Allele frequency attached by ClinVar (database versions not stated): gnomAD exomes below 0.00001.
gnomAD v4.1: 1 of 1,608,716 alleles (0.000062%); highest among the groups gnomAD compares: South Asian, 0.0011%; no homozygotes.

Submission:

Labcorp Genetics (formerly Invitae), Labcorp
Classification: Uncertain significance. Last evaluated: 2023-10-15. Review status: criteria provided, single submitter. Criteria: Invitae Variant Classification Sherloc (09022015). Collection method: clinical testing. Allele origin: germline.
Comment: This sequence change replaces proline, which is neutral and non-polar, with leucine, which is neutral and non-polar, at codon 162 of the PLG protein (p.Pro162Leu). This variant is present in population databases (no rsID available, gnomAD 0.003%). This variant has not been reported in the literature in individuals affected with PLG-related conditions. Advanced modeling of protein sequence and biophysical properties (such as structural, functional, and spatial information, amino acid conservation, physicochemical variation, residue mobility, and thermodynamic stability) performed at Invitae indicates that this missense variant is expected to disrupt PLG protein function. In summary, the available evidence is currently insufficient to determine the role of this variant in disease. Therefore, it has been classified as a Variant of Uncertain Significance.

NM_000301.5(PLG):c.485C>T (p.Pro162Leu)

Gene: PLG (plasminogen; plus strand). Cytogenetic location: 6q26.
Variant type: single nucleotide variant.
Coding change: c.485C>T on transcript NM_000301.5 (MANE Select); coding-DNA position 485, C replaced by T.
Protein change: p.Pro162Leu; replaces proline 162 with leucine.
Molecular consequence: missense variant.
Genome position (GRCh38, 1-based): chr6:160,713,063, C>T. VCF-style: chr6-160713063-C-T. GRCh37 (hg19) VCF-style: chr6-161134095-C-T.
Other names: short protein forms P162L.
Identifiers: ClinVar variation 2768791 (VCV002768791.3), dbSNP rs1235641340, ClinGen allele CA366361763.